The following is an entry in ClinVar:

NM_001036.6(RYR3):c.9283G>A (p.Asp3095Asn)

Gene: RYR3 (ryanodine receptor 3; plus strand). Cytogenetic location: 15q14.
Variant type: single nucleotide variant.
Coding change: c.9283G>A on transcript NM_001036.6 (MANE Select); coding-DNA position 9283, G replaced by A.
Protein change: p.Asp3095Asn; replaces aspartic acid 3095 with asparagine.
Molecular consequence: missense variant.
Genome position (GRCh38, 1-based): chr15:33,785,676, G>A. VCF-style: chr15-33785676-G-A. GRCh37 (hg19) VCF-style: chr15-34077877-G-A.
Other names: c.9283G>A, p.Asp3095Asn (NM_001243996.4); short protein forms D3095N.
Identifiers: ClinVar variation 933684 (VCV000933684.9), dbSNP rs2074663035, ClinGen allele CA391590160.

ClinVar aggregate classification (germline): Uncertain significance (1 of 4 stars; one submission).

Conditions:
Epileptic encephalopathy. Identifiers: MedGen C0543888, HP:0200134.

Allele frequency attached by ClinVar (database versions not stated): gnomAD exomes below 0.00001; TOPMed below 0.00001.
gnomAD v4.1: 1 of 1,596,606 alleles (0.000063%); highest among the groups gnomAD compares: Non-Finnish European, 0.000085%; no homozygotes.

Submission:

Labcorp Genetics (formerly Invitae), Labcorp
Classification: Uncertain significance for Epileptic encephalopathy. Last evaluated: 2019-09-17. Review status: criteria provided, single submitter. Criteria: Invitae Variant Classification Sherloc (09022015). Collection method: clinical testing. Allele origin: germline.
Comment: In summary, the available evidence is currently insufficient to determine the role of this variant in disease. Therefore, it has been classified as a Variant of Uncertain Significance. Algorithms developed to predict the effect of missense changes on protein structure and function are either unavailable or do not agree on the potential impact of this missense change (SIFT: "Deleterious"; PolyPhen-2: "Benign"; Align-GVGD: "Class C0"). This variant has not been reported in the literature in individuals with RYR3-related conditions. This variant is not present in population databases (ExAC no frequency). This sequence change replaces aspartic acid with asparagine at codon 3095 of the RYR3 protein (p.Asp3095Asn). The aspartic acid residue is highly conserved and there is a small physicochemical difference between aspartic acid and asparagine.